The following is an entry in ClinVar:

ClinVar aggregate classification (germline): Uncertain significance. Review status: criteria provided, multiple submitters, no conflicts (2 of 4 stars). 2 submissions from 2 submitters: Uncertain significance (2). Last evaluated 2024-09-09.

Conditions:
Inborn genetic diseases. Identifiers: MedGen C0950123, MeSH D030342.

Allele frequency attached by ClinVar (database versions not stated): gnomAD exomes below 0.00001; ExAC 0.00001; gnomAD 0.00001; TOPMed 0.00001; ESP Exome Variant Server 0.00008.
gnomAD v4.1: 5 of 1,613,570 alleles (0.00031%); highest among the groups gnomAD compares: African/African-American, 0.0013%; no homozygotes.

Submissions (2):

Labcorp Genetics (formerly Invitae), Labcorp
Classification: Uncertain significance. Last evaluated: 2024-09-09. Review status: criteria provided, single submitter. Criteria: Invitae Variant Classification Sherloc (09022015). Collection method: clinical testing. Allele origin: germline.
Comment: This sequence change replaces leucine, which is neutral and non-polar, with isoleucine, which is neutral and non-polar, at codon 1960 of the LRP2 protein (p.Leu1960Ile). This variant is present in population databases (rs145093268, gnomAD 0.004%). This variant has not been reported in the literature in individuals affected with LRP2-related conditions. ClinVar contains an entry for this variant (Variation ID: 2396156). Invitae Evidence Modeling of protein sequence and biophysical properties (such as structural, functional, and spatial information, amino acid conservation, physicochemical variation, residue mobility, and thermodynamic stability) indicates that this missense variant is not expected to disrupt LRP2 protein function with a negative predictive value of 80%. In summary, the available evidence is currently insufficient to determine the role of this variant in disease. Therefore, it has been classified as a Variant of Uncertain Significance.

Ambry Genetics
Classification: Uncertain significance for Inborn genetic diseases. Last evaluated: 2022-02-03. Review status: criteria provided, single submitter. Criteria: Ambry Variant Classification Scheme 2023. Collection method: clinical testing. Allele origin: germline.

NM_004525.3(LRP2):c.5878C>A (p.Leu1960Ile)

Gene: LRP2 (LDL receptor related protein 2; minus strand). Cytogenetic location: 2q31.1.
Variant type: single nucleotide variant.
Coding change: c.5878C>A on transcript NM_004525.3 (MANE Select); coding-DNA position 5878, C replaced by A.
Protein change: p.Leu1960Ile; replaces leucine 1960 with isoleucine.
Molecular consequence: missense variant.
Genome position (GRCh38, 1-based): chr2:169,213,819, G>T on the plus strand (C>A on the coding strand, the complement: LRP2 is on the minus strand). VCF-style: chr2-169213819-G-T. GRCh37 (hg19) VCF-style: chr2-170070329-G-T.
Other names: short protein forms L1960I.
Identifiers: ClinVar variation 2396156 (VCV002396156.4), dbSNP rs145093268, ClinGen allele CA1954412.